The following is an entry in ClinVar:

NM_000337.6(SGCD):c.32G>A (p.Arg11Gln)

Gene: SGCD (sarcoglycan delta; plus strand). Cytogenetic location: 5q33.3.
Variant type: single nucleotide variant.
Coding change: c.32G>A on transcript NM_000337.6 (MANE Select); coding-DNA position 32, G replaced by A.
Protein change: p.Arg11Gln; replaces arginine 11 with glutamine.
Molecular consequence: missense variant.
Genome position (GRCh38, 1-based): chr5:156,344,517, G>A. VCF-style: chr5-156344517-G-A. GRCh37 (hg19) VCF-style: chr5-155771527-G-A.
Other names: p.R11Q:CGG>CAG; NM_001128209.1:c.29G>A; NM_172244.2:c.32G>A; XM_005265965.1:c.32G>A; XM_005265966.1:c.32G>A; XM_005265967.1:c.32G>A; c.29G>A, p.Arg10Gln (NM_001128209.2); c.32G>A, p.Arg11Gln (NM_172244.3); short protein forms R11Q, R10Q.
Identifiers: ClinVar variation 196256 (VCV000196256.19), dbSNP rs752548592, ClinGen allele CA302929.

ClinVar aggregate classification (germline): Uncertain significance. Review status: criteria provided, multiple submitters, no conflicts (2 of 4 stars). 11 submissions from 10 submitters: Uncertain significance (10). 1 of the submissions does not count toward it. Last evaluated 2025-05-27.

Conditions:
Dilated cardiomyopathy 1L (CMD1L). Identifiers: Orphanet 154, MedGen C1847667, MONDO:0011702, OMIM 606685.
Autosomal recessive limb-girdle muscular dystrophy type 2F (LGMDR6). Also called: Muscular dystrophy limb-girdle with delta-sarcoglyan deficiency; MUSCULAR DYSTROPHY, LIMB-GIRDLE, AUTOSOMAL RECESSIVE 6. Identifiers: Orphanet 219, MedGen C1832525, MONDO:0011028, OMIM 601287. Disease mechanism: Affects gamma-sarcoglycan and also disrupts the integrity of the entire sarcoglycan complex..
Primary dilated cardiomyopathy (DCM). Also called: Dilated Cardiomyopathy. Identifiers: Orphanet 217604, MedGen C0007193, MeSH D002311, MONDO:0005021, HP:0001644. Inheritance: Various modes of inheritance.

Allele frequency attached by ClinVar (database versions not stated): ExAC 0.00002; gnomAD 0.00002 and 0.00003; gnomAD exomes 0.00002; TOPMed 0.00003.
gnomAD v4.1: 33 of 1,606,788 alleles (0.0021%); highest among the groups gnomAD compares: Middle Eastern, 0.05%; no homozygotes.

Submissions (11):

Revvity Omics, Revvity
Classification: Uncertain significance. Last evaluated: 2025-05-27. Review status: criteria provided, single submitter. Criteria: ACMG Guidelines, 2015. Collection method: clinical testing. Allele origin: germline.

GeneDx
Classification: Uncertain significance. Last evaluated: 2024-05-08. Review status: criteria provided, single submitter. Criteria: GeneDx Variant Classification Process June 2021. Collection method: clinical testing. Allele origin: germline. Affected: yes.
Comment: Has not been previously published as pathogenic or benign to our knowledge; Not observed at significant frequency in large population cohorts (gnomAD); In silico analysis supports that this missense variant does not alter protein structure/function; This variant is associated with the following publications: (PMID: 27535533)

Blueprint Genetics
Classification: Uncertain significance. Last evaluated: 2023-08-28. Review status: criteria provided, single submitter. Criteria: ACMG Guidelines, 2015. Collection method: clinical testing. Allele origin: germline.

Genome-Nilou Lab
Classification: Uncertain significance for Autosomal recessive limb-girdle muscular dystrophy type 2F. Last evaluated: 2023-02-08. Review status: criteria provided, single submitter. Criteria: ACMG Guidelines, 2015. Collection method: clinical testing. Allele origin: germline.

Genome-Nilou Lab
Classification: Uncertain significance for Dilated cardiomyopathy 1L. Last evaluated: 2023-02-08. Review status: criteria provided, single submitter. Criteria: ACMG Guidelines, 2015. Collection method: clinical testing. Allele origin: germline.

Labcorp Genetics (formerly Invitae), Labcorp
Classification: Uncertain significance for Autosomal recessive limb-girdle muscular dystrophy type 2F. Last evaluated: 2022-08-03. Review status: criteria provided, single submitter. Criteria: Invitae Variant Classification Sherloc (09022015). Collection method: clinical testing. Allele origin: germline.
Comment: This sequence change replaces arginine, which is basic and polar, with glutamine, which is neutral and polar, at codon 11 of the SGCD protein (p.Arg11Gln). This variant is present in population databases (rs752548592, gnomAD 0.02%). This variant has not been reported in the literature in individuals affected with SGCD-related conditions. ClinVar contains an entry for this variant (Variation ID: 196256). Algorithms developed to predict the effect of missense changes on protein structure and function (SIFT, PolyPhen-2, Align-GVGD) all suggest that this variant is likely to be tolerated. Algorithms developed to predict the effect of sequence changes on RNA splicing suggest that this variant may create or strengthen a splice site. In summary, the available evidence is currently insufficient to determine the role of this variant in disease. Therefore, it has been classified as a Variant of Uncertain Significance.

Fulgent Genetics
Classification: Uncertain significance for Autosomal recessive limb-girdle muscular dystrophy type 2F; Dilated cardiomyopathy 1L. Last evaluated: 2021-08-25. Review status: criteria provided, single submitter. Criteria: ACMG Guidelines, 2015. Collection method: clinical testing. Allele origin: unknown.

New York Genome Center
Classification: Uncertain significance for Autosomal recessive limb-girdle muscular dystrophy type 2F. Last evaluated: 2021-04-10. Review status: criteria provided, single submitter. Criteria: NYGC Assertion Criteria 2020. Collection method: clinical testing. Allele origin: inherited. Observed: 1 heterozygote. Study: CSER-NYCKidSeq.

Eurofins Ntd Llc (ga)
Classification: Uncertain significance. Last evaluated: 2018-03-13. Review status: criteria provided, single submitter. Criteria: EGL ClinVar v180209 classification definitions. Collection method: clinical testing. Allele origin: germline. Observed: 2 variant alleles, 2 heterozygotes.

CSER _CC_NCGL, University of Washington
Classification: Uncertain significance for Dilated cardiomyopathy. Last evaluated: 2015-03-11. Review status: criteria provided, single submitter. Criteria: Amendola et al. (Genome Res. 2015). Collection method: research. Allele origin: germline. Inheritance: Autosomal dominant inheritance. Study: CSER - NEXT Medicine variant annotation.

Counsyl
Classification: Uncertain significance for Dilated cardiomyopathy 1L; Autosomal recessive limb-girdle muscular dystrophy type 2F. Last evaluated: 2017-04-04. Review status: no assertion criteria provided. Collection method: clinical testing. Allele origin: unknown. Not counted in ClinVar's aggregate classification.